The following is an entry in ClinVar:

NM_024996.7(GFM1):c.1765-2A>G

Gene: GFM1 (G elongation factor mitochondrial 1; plus strand). Cytogenetic location: 3q25.32.
Variant type: single nucleotide variant.
Coding change: c.1765-2A>G on transcript NM_024996.7 (MANE Select); the canonical splice acceptor site of the intron before coding-DNA position 1765, A replaced by G.
Molecular consequence: splice acceptor variant.
Genome position (GRCh38, 1-based): chr3:158,684,522, A>G. VCF-style: chr3-158684522-A-G. GRCh37 (hg19) VCF-style: chr3-158402311-A-G.
Other names: c.1822-2A>G (NM_001308164.2); c.1540-2A>G (NM_001374357.1); c.1684-2A>G (NM_001374355.1); c.1648-2A>G (NM_001374356.1); c.1198-2A>G (NM_001374359.1, NM_001374360.1); c.1081-2A>G (NM_001374361.1); c.1306-2A>G (NM_001374358.1); c.1765-2A>G (NM_024996.5).
Identifiers: ClinVar variation 1469533 (VCV001469533.10), dbSNP rs2108102423, ClinGen allele CA355181826.
Genomic context (GRCh38, chr3:158,684,522, plus strand): 5'-CTTGATAATGTATCTGCAAGTAAAATCCACTCACTCCAGAAGTTGTGTTCATTCATTAAC[A>G]GGGGTTTTTAGATGCCTGCGAGAAGGGCCCTCTTTCTGGTCACAAGCTCTCTGGGCTCCG-3'

ClinVar aggregate classification (germline): Pathogenic/Likely pathogenic. Review status: criteria provided, multiple submitters, no conflicts (2 of 4 stars). 3 submissions from 3 submitters: Pathogenic (1); Likely pathogenic (2). Last evaluated 2025-12-25.

Conditions:
Hepatoencephalopathy due to combined oxidative phosphorylation defect type 1. Also called: HEPATOENCEPHALOPATHY, EARLY FATAL PROGRESSIVE. Identifiers: Orphanet 137681, MedGen C1836797, MONDO:0012191, OMIM 609060.

Submissions (3):

Natera, Inc.
Classification: Pathogenic for Combined oxidative phosphorylation deficiency 1. Last evaluated: 2025-12-25. Review status: criteria provided, single submitter. Criteria: Natera Variant Classification Schema (03/2026). Collection method: clinical testing. Allele origin: germline.
Comment: The c.1765-2A>G variant in GFM1 is a canonical splice acceptor site variant predicted to affect pre-mRNA splicing, which may result in an abnormal transcript and altered protein product. This variant is expected to result in nonsense mediated decay, truncation, or a dysfunctional protein product. This variant is rare in the general population with a frequency below the threshold expected for the associated phenotype(s). Another variant at this same site results in an alteration predicted to cause a similar molecular effect has been observed in individual(s) with the associated phenotype. Given the available evidence, this variant is classified as Pathogenic.

Labcorp Genetics (formerly Invitae), Labcorp
Classification: Likely pathogenic. Last evaluated: 2024-10-21. Review status: criteria provided, single submitter. Criteria: Invitae Variant Classification Sherloc (09022015). Collection method: clinical testing. Allele origin: germline.
Comment: This sequence change affects an acceptor splice site in intron 14 of the GFM1 gene. It is expected to disrupt RNA splicing. Variants that disrupt the donor or acceptor splice site typically lead to a loss of protein function (PMID: 16199547), and loss-of-function variants in GFM1 are known to be pathogenic (PMID: 16632485, 17160893). This variant is not present in population databases (gnomAD no frequency). This variant has not been reported in the literature in individuals affected with GFM1-related conditions. ClinVar contains an entry for this variant (Variation ID: 1469533). Algorithms developed to predict the effect of sequence changes on RNA splicing suggest that this variant may disrupt the consensus splice site. In summary, the currently available evidence indicates that the variant is pathogenic, but additional data are needed to prove that conclusively. Therefore, this variant has been classified as Likely Pathogenic.

Baylor Genetics
Classification: Likely pathogenic for Hepatoencephalopathy due to combined oxidative phosphorylation defect type 1. Last evaluated: 2022-06-23. Review status: criteria provided, single submitter. Criteria: ACMG Guidelines, 2015. Collection method: clinical testing. Allele origin: unknown.

Literature cited by the submitters: PubMed 16199547 (cited by Labcorp Genetics (formerly Invitae), Labcorp); PubMed 16632485 (cited by Labcorp Genetics (formerly Invitae), Labcorp); PubMed 17160893 (cited by Labcorp Genetics (formerly Invitae), Labcorp).